The following is an entry in ClinVar:

ClinVar aggregate classification (germline): Likely benign. Review status: criteria provided, multiple submitters, no conflicts (2 of 4 stars). 4 submissions from 4 submitters: Likely benign (3). 1 of the submissions does not count toward it. Last evaluated 2026-02-01.

Conditions:
COL17A1-related disorder. Also called: COL17A1-related condition.
Junctional epidermolysis bullosa, non-Herlitz type. Also called: Adult junctional epidermolysis bullosa; COL17A1-Related Junctional Epidermolysis Bullosa; Epidermolysis bullosa, junctional, non-herlitz type, somatic mosaic revertant; EPIDERMOLYSIS BULLOSA, JUNCTIONAL 1A, INTERMEDIATE; EPIDERMOLYSIS BULLOSA JUNCTIONALIS, DISENTIS TYPE; EPIDERMOLYSIS BULLOSA JUNCTIONALIS, NON-HERLITZ TYPE. Identifiers: Orphanet 251393, Orphanet 79402, Orphanet 79405, Orphanet 89840, MedGen C0268374, MONDO:0009180, OMIM 226650.

Allele frequency attached by ClinVar (database versions not stated): gnomAD exomes 0.00031 and 0.00059; ExAC 0.00078; 1000 Genomes Project 0.00160; 1000 Genomes Project 30x 0.00203; gnomAD 0.00243 and 0.00266; ESP Exome Variant Server 0.00261; TOPMed 0.00269.
gnomAD v4.1: 842 of 1,613,946 alleles (0.052%); highest among the groups gnomAD compares: African/African-American, 0.76%; 3 homozygotes.

Submissions (4):

Labcorp Genetics (formerly Invitae), Labcorp
Classification: Likely benign. Last evaluated: 2026-02-01. Review status: criteria provided, single submitter. Criteria: Invitae Variant Classification Sherloc (09022015). Collection method: clinical testing. Allele origin: germline.

CeGaT Center for Human Genetics Tuebingen
Classification: Likely benign. Last evaluated: 2025-03-01. Review status: criteria provided, single submitter. Criteria: CeGaT Center For Human Genetics Tuebingen Variant Classification Criteria Version 2. Collection method: clinical testing. Allele origin: germline. Affected: yes. Observed: 2 variant alleles.
Comment: COL17A1: BS2

Illumina Laboratory Services, Illumina
Classification: Likely benign for Junctional epidermolysis bullosa, non-Herlitz type. Last evaluated: 2018-01-13. Review status: criteria provided, single submitter. Criteria: ICSL Variant Classification Criteria 13 December 2019. Collection method: clinical testing. Allele origin: germline.
Comment: This variant was observed in the ICSL laboratory as part of a predisposition screen in an ostensibly healthy population. It had not been previously curated by ICSL or reported in the Human Gene Mutation Database (HGMD: prior to June 1st, 2018), and was therefore a candidate for classification through an automated scoring system. Utilizing variant allele frequency, disease prevalence and penetrance estimates, and inheritance mode, an automated score was calculated to assess if this variant is too frequent to cause the disease. Based on the score and internal cut-off values, a variant classified as likely benign is not then subjected to further curation. The score for this variant resulted in a classification of likely benign for this disease.

PreventionGenetics, part of Exact Sciences
Classification: Benign for COL17A1-related condition. Last evaluated: 2019-12-26. Review status: no assertion criteria provided. Collection method: clinical testing. Allele origin: germline. Not counted in ClinVar's aggregate classification.
Comment: This variant is classified as benign based on ACMG/AMP sequence variant interpretation guidelines (Richards et al. 2015 PMID: 25741868, with internal and published modifications).

NM_000494.4(COL17A1):c.2361G>C (p.Gln787His)

Gene: COL17A1 (collagen type XVII alpha 1 chain; minus strand). Cytogenetic location: 10q25.1.
Variant type: single nucleotide variant.
Coding change: c.2361G>C on transcript NM_000494.4 (MANE Select); coding-DNA position 2361, G replaced by C.
Protein change: p.Gln787His; replaces glutamine 787 with histidine.
Molecular consequence: missense variant.
Genome position (GRCh38, 1-based): chr10:104,046,748, C>G on the plus strand (G>C on the coding strand, the complement: COL17A1 is on the minus strand). VCF-style: chr10-104046748-C-G. GRCh37 (hg19) VCF-style: chr10-105806506-C-G.
Other names: c.2361G>C, p.Gln787His (LRG_1249t1); short protein forms Q787H.
Identifiers: ClinVar variation 298716 (VCV000298716.31), dbSNP rs73329731, ClinGen allele CA5678533.